The following is an entry in ClinVar:

ClinVar aggregate classification (germline): Uncertain significance (1 of 4 stars; one submission).

Conditions:
Inborn genetic diseases. Identifiers: MedGen C0950123, MeSH D030342.

gnomAD v4.1: 1 of 1,613,906 alleles (0.000062%); highest among the groups gnomAD compares: Non-Finnish European, 0.000085%; no homozygotes.

Submission:

Ambry Genetics
Classification: Uncertain significance for Inborn genetic diseases. Last evaluated: 2025-10-14. Review status: criteria provided, single submitter. Criteria: Ambry Variant Classification Scheme 2023. Collection method: clinical testing. Allele origin: germline.
Comment: The p.D1029G variant (also known as c.3086A>G), located in coding exon 14 of the MECOM gene, results from an A to G substitution at nucleotide position 3086. The aspartic acid at codon 1029 is replaced by glycine, an amino acid with similar properties. This amino acid position is conserved. In addition, the in silico prediction for this alteration is inconclusive. Based on the available evidence, the clinical significance of this variant remains unclear.

NM_004991.4(MECOM):c.3086A>G (p.Asp1029Gly)

Gene: MECOM (MDS1 and EVI1 complex locus; minus strand). Cytogenetic location: 3q26.2.
Variant type: single nucleotide variant.
Coding change: c.3086A>G on transcript NM_004991.4 (MANE Select); coding-DNA position 3086, A replaced by G.
Protein change: p.Asp1029Gly; replaces aspartic acid 1029 with glycine.
Molecular consequence: missense variant.
Genome position (GRCh38, 1-based): chr3:169,093,036, T>C on the plus strand (A>G on the coding strand, the complement: MECOM is on the minus strand). VCF-style: chr3-169093036-T-C. GRCh37 (hg19) VCF-style: chr3-168810824-T-C.
Other names: c.2717A>G, p.Asp906Gly (NM_001105077.4); c.2522A>G, p.Asp841Gly (NM_001105078.4, NM_001205194.2, NM_001366469.2 and 1 more transcripts); c.2498A>G, p.Asp833Gly (NM_001163999.2, NM_001366470.2); c.2495A>G, p.Asp832Gly (NM_001164000.2, NM_001366471.2, NM_001366472.2); c.3059A>G, p.Asp1020Gly (NM_001366466.2); c.2525A>G, p.Asp842Gly (NM_001366467.2, NM_001366468.2); c.2087A>G, p.Asp696Gly (NM_001366473.2); c.1523A>G, p.Asp508Gly (NM_001366474.2); short protein forms D833G, D1020G, D1029G, D841G, D508G, D696G, D832G, D842G.
Identifiers: ClinVar variation 4624646 (VCV004624646.1).